The following is an entry in ClinVar:

NM_000152.5(GAA):c.1942G>T (p.Gly648Cys)

Gene: GAA (alpha glucosidase; plus strand). Cytogenetic location: 17q25.3.
Variant type: single nucleotide variant.
Coding change: c.1942G>T on transcript NM_000152.5 (MANE Select); coding-DNA position 1942, G replaced by T.
Protein change: p.Gly648Cys; replaces glycine 648 with cysteine.
Molecular consequence: missense variant.
Genome position (GRCh38, 1-based): chr17:80,112,929, G>T. VCF-style: chr17-80112929-G-T. GRCh37 (hg19) VCF-style: chr17-78086728-G-T.
Other names: c.1942G>T, p.Gly648Cys (NM_001079804.3, NM_001406741.1, NM_001079803.3 and 1 more transcripts); short protein forms G648C.
Identifiers: ClinVar variation 2719267 (VCV002719267.4), dbSNP rs536906561, ClinGen allele CA401369923.

ClinVar aggregate classification (germline): Likely pathogenic. Review status: criteria provided, multiple submitters, no conflicts (2 of 4 stars). 2 submissions from 2 submitters: Likely pathogenic (2). Last evaluated 2024-03-20.

Conditions:
Glycogen storage disease, type II (IOPD). Also called: POMPE DISEASE, INFANTILE-ONSET; GLYCOGEN STORAGE DISEASE II, INFANTILE-ONSET; ACID ALPHA-GLUCOSIDASE DEFICIENCY, INFANTILE-ONSET; GAA DEFICIENCY, INFANTILE-ONSET; ACID MALTASE DEFICIENCY, INFANTILE-ONSET; CARDIOMEGALIA GLYCOGENICA DIFFUSA. Identifiers: Orphanet 365, MedGen C0017921, MONDO:0009290, OMIM 232300.

gnomAD v4.1: 1 of 1,610,602 alleles (0.000062%); highest among the groups gnomAD compares: Non-Finnish European, 0.000085%; no homozygotes.

Submissions (2):

Fulgent Genetics
Classification: Likely pathogenic for Glycogen storage disease, type II. Last evaluated: 2024-03-20. Review status: criteria provided, single submitter. Criteria: ACMG Guidelines, 2015. Collection method: clinical testing. Allele origin: germline.

Labcorp Genetics (formerly Invitae), Labcorp
Classification: Likely pathogenic for Glycogen storage disease, type II. Last evaluated: 2023-06-19. Review status: criteria provided, single submitter. Criteria: Invitae Variant Classification Sherloc (09022015). Collection method: clinical testing. Allele origin: germline.
Comment: This sequence change replaces glycine, which is neutral and non-polar, with cysteine, which is neutral and slightly polar, at codon 648 of the GAA protein (p.Gly648Cys). This variant is not present in population databases (gnomAD no frequency). This variant has not been reported in the literature in individuals affected with GAA-related conditions. Advanced modeling of protein sequence and biophysical properties (such as structural, functional, and spatial information, amino acid conservation, physicochemical variation, residue mobility, and thermodynamic stability) performed at Invitae indicates that this missense variant is expected to disrupt GAA protein function. This variant disrupts the p.Gly648 amino acid residue in GAA. Other variant(s) that disrupt this residue have been determined to be pathogenic (PMID: 9535769, 17643989, 19862843, 26575883). This suggests that this residue is clinically significant, and that variants that disrupt this residue are likely to be disease-causing. In summary, the currently available evidence indicates that the variant is pathogenic, but additional data are needed to prove that conclusively. Therefore, this variant has been classified as Likely Pathogenic.

Literature cited by the submitters: PubMed 9535769 (cited by Labcorp Genetics (formerly Invitae), Labcorp); PubMed 17643989 (cited by Labcorp Genetics (formerly Invitae), Labcorp); PubMed 19862843 (cited by Labcorp Genetics (formerly Invitae), Labcorp); PubMed 26575883 (cited by Labcorp Genetics (formerly Invitae), Labcorp).